The following is an entry in ClinVar:

ClinVar aggregate classification (germline): Likely benign. Review status: criteria provided, multiple submitters, no conflicts (2 of 4 stars). 3 submissions from 3 submitters: Likely benign (3). Last evaluated 2026-04-01.

Conditions:
Autosomal recessive limb-girdle muscular dystrophy type 2O. Also called: MUSCULAR DYSTROPHY-DYSTROGLYCANOPATHY (LIMB-GIRDLE), TYPE C, 3; Limb-Girdle Muscular Dystrophy Type 3C; MUSCULAR DYSTROPHY-DYSTROGLYCANOPATHY, LIMB-GIRDLE, POMGNT1-RELATED. Identifiers: Orphanet 206564, MedGen C3150417, MONDO:0013161, OMIM 613157.
Muscular dystrophy-dystroglycanopathy (congenital with impaired intellectual development), type B, 3. Also called: Muscular dystrophy-dystroglycanopathy (congenital with intellectual disability), type B3; MUSCULAR DYSTROPHY, CONGENITAL, POMGNT1-RELATED. Identifiers: MedGen C3150412, MONDO:0013155, OMIM 613151.

Allele frequency attached by ClinVar (database versions not stated): ExAC 0.00002; gnomAD 0.00001; TOPMed 0.00001; gnomAD exomes 0.00002 and 0.00003; ESP Exome Variant Server 0.00008.
gnomAD v4.1: 26 of 1,614,016 alleles (0.0016%); highest among the groups gnomAD compares: South Asian, 0.0033%; no homozygotes.

Submissions (3):

CeGaT Center for Human Genetics Tuebingen
Classification: Likely benign. Last evaluated: 2026-04-01. Review status: criteria provided, single submitter. Criteria: CeGaT Center For Human Genetics Tuebingen Variant Classification Criteria Version 2. Collection method: clinical testing. Allele origin: germline. Affected: yes. Observed: 1 variant allele.
Comment: POMGNT1: BP4, BP7

Labcorp Genetics (formerly Invitae), Labcorp
Classification: Likely benign for Autosomal recessive limb-girdle muscular dystrophy type 2O; Muscular dystrophy-dystroglycanopathy (congenital with impaired intellectual development), type B, 3. Last evaluated: 2025-10-29. Review status: criteria provided, single submitter. Criteria: Invitae Variant Classification Sherloc (09022015). Collection method: clinical testing. Allele origin: germline.

Blueprint Genetics
Classification: Likely benign. Last evaluated: 2024-08-19. Review status: criteria provided, single submitter. Criteria: ACMG Guidelines, 2015. Collection method: clinical testing. Allele origin: germline.

NM_017739.4(POMGNT1):c.1407G>A (p.Pro469=)

Genes: POMGNT1 (protein O-linked mannose N-acetylglucosaminyltransferase 1 (beta 1,2-); minus strand), TSPAN1 (tetraspanin 1; plus strand). Cytogenetic location: 1p34.1.
Variant type: single nucleotide variant.
Coding change: c.1407G>A on transcript NM_017739.4 (MANE Select); coding-DNA position 1407, G replaced by A.
Protein change: p.Pro469=; no amino-acid change (proline 469 retained).
Molecular consequence: synonymous variant.
Genome position (GRCh38, 1-based): chr1:46,192,314, C>T on the plus strand (G>A on the coding strand, the complement: POMGNT1 is on the minus strand). VCF-style: chr1-46192314-C-T. GRCh37 (hg19) VCF-style: chr1-46657986-C-T.
Other names: c.1407G>A, p.Pro469= (NM_001243766.2, NM_001410783.1); c.1341G>A, p.Pro447= (NM_001290129.3); c.978G>A, p.Pro326= (NM_001290130.2).
Identifiers: ClinVar variation 1137681 (VCV001137681.12), dbSNP rs375039269, ClinGen allele CA833396.